The following is an entry in ClinVar:

NM_025114.4(CEP290):c.5028T>C (p.His1676=)

Gene: CEP290 (centrosomal protein 290; minus strand). Cytogenetic location: 12q21.32.
Variant type: single nucleotide variant.
Coding change: c.5028T>C on transcript NM_025114.4 (MANE Select); coding-DNA position 5028, T replaced by C.
Protein change: p.His1676=; no amino-acid change (histidine 1676 retained).
Molecular consequence: synonymous variant.
Genome position (GRCh38, 1-based): chr12:88,080,380, A>G on the plus strand (T>C on the coding strand, the complement: CEP290 is on the minus strand). VCF-style: chr12-88080380-A-G. GRCh37 (hg19) VCF-style: chr12-88474157-A-G.
Other names: c.5028T>C (NM_025114.3).
Identifiers: ClinVar variation 1134331 (VCV001134331.10), dbSNP rs775086368, ClinGen allele CA6711802.

ClinVar aggregate classification (germline): Likely benign. Review status: criteria provided, multiple submitters, no conflicts (2 of 4 stars). 2 submissions from 2 submitters: Likely benign (2). Last evaluated 2025-05-27.

Conditions:
Meckel-Gruber syndrome. Also called: DYSENCEPHALIA SPLANCHNOCYSTICA; Dysencephalia splachnocystica; GRUBER SYNDROME. Identifiers: Orphanet 564, MedGen C0265215, MONDO:0018921.
Joubert syndrome. Also called: Familial aplasia of the vermis; JOUBERT-BOLTSHAUSER SYNDROME. Identifiers: Orphanet 475, MedGen C5979921, MONDO:0018772.
Nephronophthisis. Also called: Juvenile Nephronophthisis. Identifiers: Orphanet 655, MedGen C0687120, MONDO:0019005, HP:0000090.
CEP290-related disorder. Also called: CEP290-related condition; CEP290-related disorders. Identifiers: MedGen CN239314.

Allele frequency attached by ClinVar (database versions not stated): TOPMed below 0.00001; gnomAD 0.00001.
gnomAD v4.1: 9 of 1,611,710 alleles (0.00056%); highest among the groups gnomAD compares: African/African-American, 0.0013%; no homozygotes.

Submissions (2):

PreventionGenetics, part of Exact Sciences
Classification: Likely benign for CEP290-related condition. Last evaluated: 2025-05-27. Review status: criteria provided, single submitter. Criteria: ACMG Guidelines, 2015. Collection method: clinical testing. Allele origin: germline.
Comment: This variant is classified as likely benign based on ACMG/AMP sequence variant interpretation guidelines (Richards et al. 2015 PMID: 25741868, with internal and published modifications).

Labcorp Genetics (formerly Invitae), Labcorp
Classification: Likely benign for Joubert syndrome; Meckel-Gruber syndrome; Nephronophthisis. Last evaluated: 2024-01-27. Review status: criteria provided, single submitter. Criteria: Invitae Variant Classification Sherloc (09022015). Collection method: clinical testing. Allele origin: germline.